The following is an entry in ClinVar:

NM_001034116.2(EIF2B4):c.902G>A (p.Arg301Gln)

Genes: EIF2B4 (eukaryotic translation initiation factor 2B subunit delta; minus strand), GTF3C2-AS2 (GTF3C2 antisense RNA 2; plus strand). Cytogenetic location: 2p23.3.
Variant type: single nucleotide variant.
Coding change: c.902G>A on transcript NM_001034116.2 (MANE Select); coding-DNA position 902, G replaced by A.
Protein change: p.Arg301Gln; replaces arginine 301 with glutamine.
Molecular consequence: missense variant.
Genome position (GRCh38, 1-based): chr2:27,367,185, C>T on the plus strand (G>A on the coding strand, the complement: EIF2B4 is on the minus strand). VCF-style: chr2-27367185-C-T. GRCh37 (hg19) VCF-style: chr2-27590052-C-T.
Other names: c.965G>A, p.Arg322Gln (NM_001318965.2); c.857G>A, p.Arg286Gln (NM_001318966.2); c.809G>A, p.Arg270Gln (NM_001318967.2); c.317G>A, p.Arg106Gln (NM_001318968.2); c.284G>A, p.Arg95Gln (NM_001318969.2); c.899G>A, p.Arg300Gln (NM_015636.4); c.962G>A, p.Arg321Gln (NM_172195.4); short protein forms R106Q, R270Q, R300Q, R322Q, R286Q, R321Q, R301Q, R95Q.
Identifiers: ClinVar variation 1482942 (VCV001482942.5), dbSNP rs781536399, ClinGen allele CA1576707.

ClinVar aggregate classification (germline): Uncertain significance (1 of 4 stars; one submission).

Allele frequency attached by ClinVar (database versions not stated): TOPMed 0.00001; gnomAD 0.00002; ExAC 0.00004; gnomAD exomes 0.00004.
gnomAD v4.1: 36 of 1,613,966 alleles (0.0022%); highest among the groups gnomAD compares: South Asian, 0.012%; no homozygotes.

Submission:

Labcorp Genetics (formerly Invitae), Labcorp
Classification: Uncertain significance. Last evaluated: 2021-08-27. Review status: criteria provided, single submitter. Criteria: Invitae Variant Classification Sherloc (09022015). Collection method: clinical testing. Allele origin: germline.
Comment: This sequence change replaces arginine with glutamine at codon 300 of the EIF2B4 protein (p.Arg300Gln). The arginine residue is weakly conserved and there is a small physicochemical difference between arginine and glutamine. This variant is present in population databases (rs781536399, ExAC 0.01%). This variant has not been reported in the literature in individuals affected with EIF2B4-related conditions. Algorithms developed to predict the effect of missense changes on protein structure and function output the following: SIFT: "Tolerated"; PolyPhen-2: "Benign"; Align-GVGD: "Class C0". The glutamine amino acid residue is found in multiple mammalian species, which suggests that this missense change does not adversely affect protein function. In summary, the available evidence is currently insufficient to determine the role of this variant in disease. Therefore, it has been classified as a Variant of Uncertain Significance.